The following is an entry in ClinVar:

NM_013275.6(ANKRD11):c.3977C>T (p.Thr1326Met)

Gene: ANKRD11 (ankyrin repeat domain 11; minus strand). Cytogenetic location: 16q24.3.
Variant type: single nucleotide variant.
Coding change: c.3977C>T on transcript NM_013275.6 (MANE Select); coding-DNA position 3977, C replaced by T.
Protein change: p.Thr1326Met; replaces threonine 1326 with methionine.
Molecular consequence: missense variant.
Genome position (GRCh38, 1-based): chr16:89,282,565, G>A on the plus strand (C>T on the coding strand, the complement: ANKRD11 is on the minus strand). VCF-style: chr16-89282565-G-A. GRCh37 (hg19) VCF-style: chr16-89348973-G-A.
Other names: c.3977C>T, p.Thr1326Met (NM_001256182.2, NM_001256183.2); short protein forms T1326M.
Identifiers: ClinVar variation 376984 (VCV000376984.49), dbSNP rs144673419, ClinGen allele CA8242237.
Genomic context (GRCh38, chr16:89,282,565, plus strand): 5'-TCTTTCAGCTTCTCAGGGAGGCAGGCGCTCTCCCTCGGCTTGTCGTCTCCAGGTGGCTCC[G>A]TGAAAGAGACCTCCAGGAAGGCAGTCAGCCCCGGCTCCTGCCCTCGGTCCGTGAAGCTGT-3'
Protein context (NP_037407.4, residues 1316-1336): GLTAFLEVSF[Thr1326Met]EPPGDDKPRE

ClinVar aggregate classification (germline): Likely benign. Review status: criteria provided, multiple submitters, no conflicts (2 of 4 stars). 9 submissions from 9 submitters: Likely benign (8). 1 of the submissions does not count toward it. Last evaluated 2026-06-01.

Conditions:
KBG syndrome (KBGS). Also called: ANKRD11-Related KBG Syndrome. Identifiers: Orphanet 2332, MedGen C0220687, MONDO:0007846, OMIM 148050.
ANKRD11-related disorder. Also called: ANKRD11-related condition.
Inborn genetic diseases. Identifiers: MedGen C0950123, MeSH D030342.

Allele frequency attached by ClinVar (database versions not stated): gnomAD exomes 0.00062; gnomAD 0.00066 and 0.00067; ExAC 0.00069; TOPMed 0.00088; ESP Exome Variant Server 0.00046; 1000 Genomes Project 30x 0.00047; 1000 Genomes Project 0.00060.
gnomAD v4.1: 1,340 of 1,614,028 alleles (0.083%); highest among the groups gnomAD compares: Non-Finnish European, 0.1%; 3 homozygotes.

Submissions (9):

CeGaT Center for Human Genetics Tuebingen
Classification: Likely benign. Last evaluated: 2026-06-01. Review status: criteria provided, single submitter. Criteria: CeGaT Center For Human Genetics Tuebingen Variant Classification Criteria Version 2. Collection method: clinical testing. Allele origin: germline. Affected: yes. Observed: 6 variant alleles.
Comment: ANKRD11: BP4, BS1

Labcorp Genetics (formerly Invitae), Labcorp
Classification: Likely benign for KBG syndrome. Last evaluated: 2026-02-02. Review status: criteria provided, single submitter. Criteria: Invitae Variant Classification Sherloc (09022015). Collection method: clinical testing. Allele origin: germline.

ARUP Laboratories, Molecular Genetics and Genomics, ARUP Laboratories
Classification: Likely benign for KBG syndrome. Last evaluated: 2025-05-16. Review status: criteria provided, single submitter. Criteria: ARUP Molecular Germline Variant Investigation Process 2024. Collection method: clinical testing. Allele origin: germline.

Blueprint Genetics
Classification: Likely benign. Last evaluated: 2024-11-19. Review status: criteria provided, single submitter. Criteria: ACMG Guidelines, 2015. Collection method: clinical testing. Allele origin: germline.

GeneDx
Classification: Likely benign. Last evaluated: 2021-02-19. Review status: criteria provided, single submitter. Criteria: GeneDx Variant Classification Process June 2021. Collection method: clinical testing. Allele origin: germline. Affected: yes.

Ambry Genetics
Classification: Likely benign for Inborn genetic diseases. Last evaluated: 2017-04-20. Review status: criteria provided, single submitter. Criteria: Ambry Variant Classification Scheme 2023. Collection method: clinical testing. Allele origin: germline.

Center for Pediatric Genomic Medicine, Children's Mercy Hospital and Clinics
Classification: Likely benign. Last evaluated: 2017-02-06. Review status: criteria provided, single submitter. Criteria: ACMG Guidelines, 2015. Collection method: clinical testing. Allele origin: germline.
ClinVar note: Converted during submission from Likely Benign to Likely benign.

Breakthrough Genomics
Classification: Likely benign. Review status: criteria provided, single submitter. Criteria: ACMG Guidelines, 2015. Collection method: not provided. Allele origin: germline. Inheritance: Autosomal dominant inheritance. Affected: yes.

PreventionGenetics, part of Exact Sciences
Classification: Likely benign for ANKRD11-related condition. Last evaluated: 2021-01-20. Review status: no assertion criteria provided. Collection method: clinical testing. Allele origin: germline. Not counted in ClinVar's aggregate classification.
Comment: This variant is classified as likely benign based on ACMG/AMP sequence variant interpretation guidelines (Richards et al. 2015 PMID: 25741868, with internal and published modifications).